The following is an entry in ClinVar:

NM_004380.3(CREBBP):c.5436C>G (p.Thr1812=)

Gene: CREBBP (CREB binding lysine acetyltransferase; minus strand). Cytogenetic location: 16p13.3.
Variant type: single nucleotide variant.
Coding change: c.5436C>G on transcript NM_004380.3 (MANE Select); coding-DNA position 5436, C replaced by G.
Protein change: p.Thr1812=; no amino-acid change (threonine 1812 retained).
Molecular consequence: synonymous variant.
Genome position (GRCh38, 1-based): chr16:3,729,611, G>C on the plus strand (C>G on the coding strand, the complement: CREBBP is on the minus strand). VCF-style: chr16-3729611-G-C. GRCh37 (hg19) VCF-style: chr16-3779612-G-C.
Other names: c.5322C>G, p.Thr1774= (NM_001079846.1).
Identifiers: ClinVar variation 95054 (VCV000095054.53), dbSNP rs61731405, ClinGen allele CA148130.

ClinVar aggregate classification (germline): Benign/Likely benign. Review status: criteria provided, multiple submitters, no conflicts (2 of 4 stars). 8 submissions from 8 submitters: Benign (5); Likely benign (2). 1 of the submissions does not count toward it. Last evaluated 2026-10-01.

Conditions:
CREBBP-related disorder. Also called: CREBBP-related disorders; CREBBP-related condition.
Rubinstein-Taybi syndrome (RSTS). Identifiers: Orphanet 783, MedGen C0035934, MONDO:0019188.
Inborn genetic diseases. Identifiers: MedGen C0950123, MeSH D030342.

Allele frequency attached by ClinVar (database versions not stated): gnomAD 0.00124; ESP Exome Variant Server 0.00200; ExAC 0.00202; 1000 Genomes Project 0.00220; 1000 Genomes Project 30x 0.00281; TOPMed 0.00284.
gnomAD v4.1: 4,743 of 1,614,178 alleles (0.29%); highest among the groups gnomAD compares: Admixed American, 0.49%; 13 homozygotes.

Submissions (8):

CeGaT Center for Human Genetics Tuebingen
Classification: Benign. Last evaluated: 2026-10-01. Review status: criteria provided, single submitter. Criteria: CeGaT Center For Human Genetics Tuebingen Variant Classification Criteria Version 2. Collection method: clinical testing. Allele origin: germline. Affected: yes. Observed: 20 variant alleles.
Comment: CREBBP: BP4, BS1, BS2

Labcorp Genetics (formerly Invitae), Labcorp
Classification: Benign for Rubinstein-Taybi syndrome. Last evaluated: 2026-01-21. Review status: criteria provided, single submitter. Criteria: Invitae Variant Classification Sherloc (09022015). Collection method: clinical testing. Allele origin: germline.

Blueprint Genetics
Classification: Likely benign. Last evaluated: 2024-11-21. Review status: criteria provided, single submitter. Criteria: ACMG Guidelines, 2015. Collection method: clinical testing. Allele origin: germline.

GeneDx
Classification: Benign. Last evaluated: 2020-01-15. Review status: criteria provided, single submitter. Criteria: GeneDx Variant Classification Process June 2021. Collection method: clinical testing. Allele origin: germline. Affected: yes.

Ambry Genetics
Classification: Likely benign for Inborn genetic diseases. Last evaluated: 2016-05-20. Review status: criteria provided, single submitter. Criteria: Ambry Variant Classification Scheme 2023. Collection method: clinical testing. Allele origin: germline.

Eurofins Ntd Llc (ga)
Classification: Benign. Last evaluated: 2013-05-29. Review status: criteria provided, single submitter. Criteria: EGL Classification Definitions 2015. Collection method: clinical testing. Allele origin: germline. Observed: 2 variant alleles, 2 heterozygotes.

Genetic Services Laboratory, University of Chicago
Classification: Benign. Last evaluated: 2013-02-08. Review status: criteria provided, single submitter. Criteria: ACMG Guidelines, 2007. Collection method: clinical testing. Allele origin: germline. Inheritance: Autosomal dominant inheritance.

PreventionGenetics, part of Exact Sciences
Classification: Benign for CREBBP-related condition. Last evaluated: 2021-12-16. Review status: no assertion criteria provided. Collection method: clinical testing. Allele origin: germline. Not counted in ClinVar's aggregate classification.
Comment: This variant is classified as benign based on ACMG/AMP sequence variant interpretation guidelines (Richards et al. 2015 PMID: 25741868, with internal and published modifications).